The following is an entry in ClinVar:

ClinVar aggregate classification (germline): Uncertain significance (1 of 4 stars; one submission).

Allele frequency attached by ClinVar (database versions not stated): gnomAD exomes 0.00001; TOPMed 0.00001 and below 0.00001; ExAC 0.00001; gnomAD 0.00001.
gnomAD v4.1: 4 of 1,614,000 alleles (0.00025%); highest among the groups gnomAD compares: South Asian, 0.0033%; no homozygotes.

Submission:

GeneDx
Classification: Uncertain significance. Last evaluated: 2017-03-23. Review status: criteria provided, single submitter. Criteria: GeneDx Variant Classification (06012015). Collection method: clinical testing. Allele origin: germline. Affected: yes.
Comment: The C221Y variant in the ATP1A3 gene has not been reported previously as a pathogenic variant, nor as a benign variant, to our knowledge. The C221Y variant is observed in 1/16512 (0.006%) alleles from individuals of South Asian background in the ExAC dataset (Lek et al., 2016). The C221Y variant is a non-conservative amino acid substitution, which is likely to impact secondary protein structure as these residues differ in polarity, charge, size and/or other properties. This substitution occurs at a position that is conserved in mammals, and in silico analysis is inconsistent in its predictions as to whether or not the variant is damaging to the protein structure/function. We interpret C221Y as a variant of uncertain significance.

NM_152296.5(ATP1A3):c.662G>A (p.Cys221Tyr)

Gene: ATP1A3 (ATPase Na+/K+ transporting subunit alpha 3; minus strand). Cytogenetic location: 19q13.2.
Variant type: single nucleotide variant.
Coding change: c.662G>A on transcript NM_152296.5 (MANE Select); coding-DNA position 662, G replaced by A.
Protein change: p.Cys221Tyr; replaces cysteine 221 with tyrosine.
Molecular consequence: missense variant.
Genome position (GRCh38, 1-based): chr19:41,985,368, C>T on the plus strand (G>A on the coding strand, the complement: ATP1A3 is on the minus strand). VCF-style: chr19-41985368-C-T. GRCh37 (hg19) VCF-style: chr19-42489520-C-T.
Other names: c.695G>A, p.Cys232Tyr (NM_001256213.2); c.701G>A, p.Cys234Tyr (NM_001256214.2); short protein forms C221Y, C234Y, C232Y.
Identifiers: ClinVar variation 424449 (VCV000424449.2), dbSNP rs782125149, ClinGen allele CA9467816.